The following is an entry in ClinVar:

ClinVar aggregate classification (germline): Uncertain significance (1 of 4 stars; one submission).

Conditions:
Inborn genetic diseases. Identifiers: MedGen C0950123, MeSH D030342.

Submission:

Ambry Genetics
Classification: Uncertain significance for Inborn genetic diseases. Last evaluated: 2025-06-21. Review status: criteria provided, single submitter. Criteria: Ambry Variant Classification Scheme 2023. Collection method: clinical testing. Allele origin: germline.
Comment: The p.Q157E variant (also known as c.469C>G), located in coding exon 4 of the USB1 gene, results from a C to G substitution at nucleotide position 469. The glutamine at codon 157 is replaced by glutamic acid, an amino acid with highly similar properties. This amino acid position is conserved. In addition, this alteration is predicted to be tolerated by in silico analysis. Based on the available evidence, the clinical significance of this variant remains unclear.

NM_024598.4(USB1):c.469C>G (p.Gln157Glu)

Gene: USB1 (U6 snRNA biogenesis phosphodiesterase 1; plus strand). Cytogenetic location: 16q21.
Variant type: single nucleotide variant.
Coding change: c.469C>G on transcript NM_024598.4 (MANE Select); coding-DNA position 469, C replaced by G.
Protein change: p.Gln157Glu; replaces glutamine 157 with glutamic acid.
Molecular consequence: missense variant. On other transcripts: intron variant (1).
Genome position (GRCh38, 1-based): chr16:58,014,292, C>G. VCF-style: chr16-58014292-C-G. GRCh37 (hg19) VCF-style: chr16-58048196-C-G.
Other names: c.316C>G, p.Gln106Glu (NM_001330568.2); c.450-3042C>G (NM_001195302.2); short protein forms Q106E, Q157E.
Identifiers: ClinVar variation 4196791 (VCV004196791.1).
Genomic context (GRCh38, chr16:58,014,292, plus strand): 5'-TTCTTACGATTTTTCCTGAAATATGGTCTTCTAAATTTCAGATTCTTCTTTACTGCCAAC[C>G]AGGTAAAGATTTACACCAATCAAGAGAAAACCAGGTGGGTCCTCCCAACCCCCAATCACC-3'
Protein context (NP_078874.2, residues 147-167): SFHRFFFTAN[Gln157Glu]VKIYTNQEKT